The following is an entry in ClinVar:

NM_022725.4(FANCF):c.101C>T (p.Ala34Val)

Gene: FANCF (FA complementation group F; minus strand). Cytogenetic location: 11p14.3.
Variant type: single nucleotide variant.
Coding change: c.101C>T on transcript NM_022725.4 (MANE Select); coding-DNA position 101, C replaced by T.
Protein change: p.Ala34Val; replaces alanine 34 with valine.
Molecular consequence: missense variant.
Genome position (GRCh38, 1-based): chr11:22,625,710, G>A on the plus strand (C>T on the coding strand, the complement: FANCF is on the minus strand). VCF-style: chr11-22625710-G-A. GRCh37 (hg19) VCF-style: chr11-22647256-G-A.
Other names: short protein forms A34V.
Identifiers: ClinVar variation 304208 (VCV000304208.12), dbSNP rs780228540, ClinGen allele CA5924433.

ClinVar aggregate classification (germline): Uncertain significance. Review status: criteria provided, multiple submitters, no conflicts (2 of 4 stars). 4 submissions from 4 submitters: Uncertain significance (4). Last evaluated 2022-08-22.

Conditions:
Fanconi anemia (FA). Also called: Fanconi's anemia. Identifiers: Orphanet 84, MedGen C0015625, MeSH D005199, MONDO:0019391.
Fanconi anemia complementation group F. Also called: FANCF-Related Fanconi Anemia. Identifiers: Orphanet 84, MedGen C3469526, MONDO:0011325, OMIM 603467.

Allele frequency attached by ClinVar (database versions not stated): ExAC 0.00002; gnomAD exomes 0.00002; TOPMed 0.00002; gnomAD 0.00003.

Submissions (4):

Labcorp Genetics (formerly Invitae), Labcorp
Classification: Uncertain significance for Fanconi anemia. Last evaluated: 2022-08-22. Review status: criteria provided, single submitter. Criteria: Invitae Variant Classification Sherloc (09022015). Collection method: clinical testing. Allele origin: germline.
Comment: This sequence change replaces alanine, which is neutral and non-polar, with valine, which is neutral and non-polar, at codon 34 of the FANCF protein (p.Ala34Val). This variant is present in population databases (rs780228540, gnomAD 0.005%). This variant has not been reported in the literature in individuals affected with FANCF-related conditions. ClinVar contains an entry for this variant (Variation ID: 304208). Algorithms developed to predict the effect of missense changes on protein structure and function are either unavailable or do not agree on the potential impact of this missense change (SIFT: "Deleterious"; PolyPhen-2: "Probably Damaging"; Align-GVGD: "Class C15"). In summary, the available evidence is currently insufficient to determine the role of this variant in disease. Therefore, it has been classified as a Variant of Uncertain Significance.

Fulgent Genetics
Classification: Uncertain significance for Fanconi anemia complementation group F. Last evaluated: 2021-12-14. Review status: criteria provided, single submitter. Criteria: ACMG Guidelines, 2015. Collection method: clinical testing. Allele origin: unknown.

Institute for Clinical Genetics, University Hospital TU Dresden, University Hospital TU Dresden
Classification: Uncertain significance. Last evaluated: 2021-11-03. Review status: criteria provided, single submitter. Criteria: ACMG Guidelines, 2015. Collection method: clinical testing. Allele origin: germline.

Illumina Laboratory Services, Illumina
Classification: Uncertain significance for Fanconi anemia complementation group F. Last evaluated: 2018-01-12. Review status: criteria provided, single submitter. Criteria: ICSL Variant Classification Criteria 13 December 2019. Collection method: clinical testing. Allele origin: germline.